The following is an entry in ClinVar:

ClinVar aggregate classification (germline): Uncertain significance (1 of 4 stars; one submission).

Submission:

GeneDx
Classification: Uncertain significance. Last evaluated: 2022-08-08. Review status: criteria provided, single submitter. Criteria: GeneDx Variant Classification Process June 2021. Collection method: clinical testing. Allele origin: germline. Affected: yes.
Comment: Not observed at significant frequency in large population cohorts (gnomAD); Frameshift variant predicted to result in protein truncation or nonsense mediated decay in a gene or region of a gene for which loss of function is not a well-established mechanism of disease; Has not been previously published as pathogenic or benign to our knowledge

NM_020795.4(NLGN2):c.2326del (p.Ala776fs)

Gene: NLGN2 (neuroligin 2; plus strand). Cytogenetic location: 17p13.1.
Variant type: Deletion.
Coding change: c.2326del on transcript NM_020795.4 (MANE Select); coding-DNA position 2326, one base deleted (G; older notation c.2326delG).
Protein change: p.Ala776fs; shifts the reading frame from alanine 776.
Molecular consequence: frameshift variant.
Genome position (GRCh38, 1-based): chr17:7,417,617, G deleted; the last of 3 consecutive G bases (chr17:7,417,615-7,417,617); deleting any one gives the same sequence. VCF-style (leftmost placement, unchanged base first): chr17-7417614-CG-C. GRCh37 (hg19) VCF-style: chr17-7320933-CG-C.
Other names: short protein forms A776fs.
Identifiers: ClinVar variation 2429622 (VCV002429622.1), dbSNP rs2507756133, ClinGen allele CA2580094770.